The following is an entry in ClinVar:

ClinVar aggregate classification (germline): Conflicting classifications of pathogenicity. Review status: criteria provided, conflicting classifications (1 of 4 stars). 2 submissions from 2 submitters: Uncertain significance (1); Likely benign (1). Last evaluated 2024-12-11.

Allele frequency attached by ClinVar (database versions not stated): gnomAD exomes 0.00001; ExAC 0.00002; TOPMed 0.00004; gnomAD 0.00006.
gnomAD v4.1: 30 of 1,597,490 alleles (0.0019%); highest among the groups gnomAD compares: African/African-American, 0.016%; no homozygotes.

Submissions (2):

Ambry Genetics
Classification: Likely benign. Last evaluated: 2024-12-11. Review status: criteria provided, single submitter. Criteria: Ambry Variant Classification Scheme 2023. Collection method: clinical testing. Allele origin: germline.

Labcorp Genetics (formerly Invitae), Labcorp
Classification: Uncertain significance. Last evaluated: 2022-12-02. Review status: criteria provided, single submitter. Criteria: Invitae Variant Classification Sherloc (09022015). Collection method: clinical testing. Allele origin: germline.
Comment: This sequence change replaces glutamine, which is neutral and polar, with arginine, which is basic and polar, at codon 639 of the APPL1 protein (p.Gln639Arg). This variant is present in population databases (rs767956335, gnomAD 0.03%). This variant has not been reported in the literature in individuals affected with APPL1-related conditions. Algorithms developed to predict the effect of missense changes on protein structure and function (SIFT, PolyPhen-2, Align-GVGD) all suggest that this variant is likely to be tolerated. In summary, the available evidence is currently insufficient to determine the role of this variant in disease. Therefore, it has been classified as a Variant of Uncertain Significance.

NM_012096.3(APPL1):c.1916A>G (p.Gln639Arg)

Genes: APPL1 (adaptor protein, phosphotyrosine interacting with PH domain and leucine zipper 1; plus strand), ASB14 (ankyrin repeat and SOCS box containing 14; minus strand). Cytogenetic location: 3p14.3.
Variant type: single nucleotide variant.
Coding change: c.1916A>G on transcript NM_012096.3 (MANE Select); coding-DNA position 1916, A replaced by G.
Protein change: p.Gln639Arg; replaces glutamine 639 with arginine.
Molecular consequence: missense variant. On other transcripts: 3 prime UTR variant (2).
Genome position (GRCh38, 1-based): chr3:57,268,420, A>G. VCF-style: chr3-57268420-A-G. GRCh37 (hg19) VCF-style: chr3-57302448-A-G.
Other names: c.*1221T>C (NM_001142733.3, NM_130387.5); c.1916A>G (NM_012096.2); short protein forms Q639R.
Identifiers: ClinVar variation 2961791 (VCV002961791.4), dbSNP rs767956335, ClinGen allele CA2463983.